The following is an entry in ClinVar:

ClinVar aggregate classification (germline): Uncertain significance (1 of 4 stars; one submission).

Conditions:
Glycine encephalopathy. Also called: Nonketotic hyperglycinemia; Non-ketotic hyperglycinemia. Identifiers: Orphanet 407, MedGen C0751748, MONDO:0011612, HP:0008288.

Allele frequency attached by ClinVar (database versions not stated): TOPMed below 0.00001.

Submission:

Labcorp Genetics (formerly Invitae), Labcorp
Classification: Uncertain significance for Glycine encephalopathy. Last evaluated: 2021-03-15. Review status: criteria provided, single submitter. Criteria: Invitae Variant Classification Sherloc (09022015). Collection method: clinical testing. Allele origin: germline.
Comment: This variant is not present in population databases (ExAC no frequency). This variant has not been reported in the literature in individuals with GLDC-related conditions. Algorithms developed to predict the effect of missense changes on protein structure and function are either unavailable or do not agree on the potential impact of this missense change (SIFT: "Tolerated"; PolyPhen-2: "Possibly Damaging"; Align-GVGD: "Class C0"). In summary, the available evidence is currently insufficient to determine the role of this variant in disease. Therefore, it has been classified as a Variant of Uncertain Significance. This sequence change replaces valine with leucine at codon 670 of the GLDC protein (p.Val670Leu). The valine residue is moderately conserved and there is a small physicochemical difference between valine and leucine.

NM_000170.3(GLDC):c.2008G>C (p.Val670Leu)

Gene: GLDC (glycine decarboxylase; minus strand). Cytogenetic location: 9p24.1.
Variant type: single nucleotide variant.
Coding change: c.2008G>C on transcript NM_000170.3 (MANE Select); coding-DNA position 2008, G replaced by C.
Protein change: p.Val670Leu; replaces valine 670 with leucine.
Molecular consequence: missense variant.
Genome position (GRCh38, 1-based): chr9:6,558,603, C>G on the plus strand (G>C on the coding strand, the complement: GLDC is on the minus strand). VCF-style: chr9-6558603-C-G. GRCh37 (hg19) VCF-style: chr9-6558603-C-G.
Other names: short protein forms V670L.
Identifiers: ClinVar variation 1516810 (VCV001516810.8), dbSNP rs767864486, ClinGen allele CA372881893.